The following is an entry in ClinVar:

NM_000142.5(FGFR3):c.740-5C>A

Gene: FGFR3 (fibroblast growth factor receptor 3; plus strand). Cytogenetic location: 4p16.3.
Variant type: single nucleotide variant.
Coding change: c.740-5C>A on transcript NM_000142.5 (MANE Select); 5 bases into the intron before coding-DNA position 740, C replaced by A.
Molecular consequence: intron variant.
Genome position (GRCh38, 1-based): chr4:1,801,830, C>A. VCF-style: chr4-1801830-C-A. GRCh37 (hg19) VCF-style: chr4-1803557-C-A.
Other names: c.740-5C>A (NM_001163213.2, NM_001354809.2, NM_001354810.2 and 1 more transcripts).
Identifiers: ClinVar variation 3717355 (VCV003717355.2).

ClinVar aggregate classification (germline): Uncertain significance (1 of 4 stars; one submission).

gnomAD v4.1: 1 of 1,605,032 alleles (0.000062%); highest among the groups gnomAD compares: Non-Finnish European, 0.000085%; no homozygotes.

Submission:

Labcorp Genetics (formerly Invitae), Labcorp
Classification: Uncertain significance. Last evaluated: 2024-09-15. Review status: criteria provided, single submitter. Criteria: Invitae Variant Classification Sherloc (09022015). Collection method: clinical testing. Allele origin: germline.
Comment: This sequence change falls in intron 6 of the FGFR3 gene. It does not directly change the encoded amino acid sequence of the FGFR3 protein. This variant is not present in population databases (gnomAD no frequency). This variant has not been reported in the literature in individuals affected with FGFR3-related conditions. Algorithms developed to predict the effect of sequence changes on RNA splicing suggest that this variant may create or strengthen a splice site. In summary, the available evidence is currently insufficient to determine the role of this variant in disease. Therefore, it has been classified as a Variant of Uncertain Significance.